The following is an entry in ClinVar:

NM_006231.4(POLE):c.2272G>T (p.Val758Leu)

Gene: POLE (DNA polymerase epsilon, catalytic subunit; minus strand). Cytogenetic location: 12q24.33.
Variant type: single nucleotide variant.
Coding change: c.2272G>T on transcript NM_006231.4 (MANE Select); coding-DNA position 2272, G replaced by T.
Protein change: p.Val758Leu; replaces valine 758 with leucine.
Molecular consequence: missense variant.
Genome position (GRCh38, 1-based): chr12:132,667,550, C>A on the plus strand (G>T on the coding strand, the complement: POLE is on the minus strand). VCF-style: chr12-132667550-C-A. GRCh37 (hg19) VCF-style: chr12-133244136-C-A.
Other names: c.2272G>T (NM_006231.2); short protein forms V758L.
Identifiers: ClinVar variation 2112065 (VCV002112065.5), dbSNP rs1210448190, ClinGen allele CA387352163.

ClinVar aggregate classification (germline): Uncertain significance. Review status: criteria provided, multiple submitters, no conflicts (2 of 4 stars). 2 submissions from 2 submitters: Uncertain significance (2). Last evaluated 2026-03-10.

Conditions:
Hereditary cancer-predisposing syndrome. Also called: Neoplastic Syndromes, Hereditary; Tumor predisposition; Hereditary Cancer Syndrome; Hereditary neoplastic syndrome. Identifiers: Orphanet 140162, MedGen C0027672, MeSH D009386, MONDO:0015356.

Submissions (2):

Ambry Genetics
Classification: Uncertain significance for Hereditary cancer-predisposing syndrome. Last evaluated: 2026-03-10. Review status: criteria provided, single submitter. Criteria: Ambry Variant Classification Scheme 2023. Collection method: clinical testing. Allele origin: germline.

Labcorp Genetics (formerly Invitae), Labcorp
Classification: Uncertain significance. Last evaluated: 2023-02-25. Review status: criteria provided, single submitter. Criteria: Invitae Variant Classification Sherloc (09022015). Collection method: clinical testing. Allele origin: germline.
Comment: This variant has not been reported in the literature in individuals affected with POLE-related conditions. In summary, the available evidence is currently insufficient to determine the role of this variant in disease. Therefore, it has been classified as a Variant of Uncertain Significance. Advanced modeling of protein sequence and biophysical properties (such as structural, functional, and spatial information, amino acid conservation, physicochemical variation, residue mobility, and thermodynamic stability) performed at Invitae indicates that this missense variant is expected to disrupt POLE protein function. ClinVar contains an entry for this variant (Variation ID: 2112065). This variant is not present in population databases (gnomAD no frequency). This sequence change replaces valine, which is neutral and non-polar, with leucine, which is neutral and non-polar, at codon 758 of the POLE protein (p.Val758Leu).